The following is an entry in ClinVar:

NM_032444.4(SLX4):c.2927A>G (p.His976Arg)

Gene: SLX4 (SLX4 structure-specific endonuclease subunit; minus strand). Cytogenetic location: 16p13.3.
Variant type: single nucleotide variant.
Coding change: c.2927A>G on transcript NM_032444.4 (MANE Select); coding-DNA position 2927, A replaced by G.
Protein change: p.His976Arg; replaces histidine 976 with arginine.
Molecular consequence: missense variant.
Genome position (GRCh38, 1-based): chr16:3,590,711, T>C on the plus strand (A>G on the coding strand, the complement: SLX4 is on the minus strand). VCF-style: chr16-3590711-T-C. GRCh37 (hg19) VCF-style: chr16-3640712-T-C.
Other names: short protein forms H976R.
Identifiers: ClinVar variation 1506998 (VCV001506998.8), dbSNP rs141294497, ClinGen allele CA394522471.

ClinVar aggregate classification (germline): Uncertain significance (1 of 4 stars; one submission).

Conditions:
Fanconi anemia (FA). Also called: Fanconi's anemia. Identifiers: Orphanet 84, MedGen C0015625, MeSH D005199, MONDO:0019391.

gnomAD v4.1: 2 of 1,614,162 alleles (0.00012%); highest among the groups gnomAD compares: Non-Finnish European, 0.00017%; no homozygotes.

Submission:

Labcorp Genetics (formerly Invitae), Labcorp
Classification: Uncertain significance for Fanconi anemia. Last evaluated: 2020-12-08. Review status: criteria provided, single submitter. Criteria: Invitae Variant Classification Sherloc (09022015). Collection method: clinical testing. Allele origin: germline.
Comment: In summary, the available evidence is currently insufficient to determine the role of this variant in disease. Therefore, it has been classified as a Variant of Uncertain Significance. Algorithms developed to predict the effect of missense changes on protein structure and function output the following: SIFT: "Tolerated"; PolyPhen-2: "Benign"; Align-GVGD: "Class C0". The arginine amino acid residue is found in multiple mammalian species, suggesting that this missense change does not adversely affect protein function. These predictions have not been confirmed by published functional studies and their clinical significance is uncertain. This variant has not been reported in the literature in individuals with SLX4-related conditions. This variant is not present in population databases (ExAC no frequency). This sequence change replaces histidine with arginine at codon 976 of the SLX4 protein (p.His976Arg). The histidine residue is moderately conserved and there is a small physicochemical difference between histidine and arginine.